The following is an entry in ClinVar:

NM_133642.5(LARGE1):c.708G>A (p.Glu236=)

Gene: LARGE1 (LARGE xylosyl- and glucuronyltransferase 1; minus strand). Cytogenetic location: 22q12.3.
Variant type: single nucleotide variant.
Coding change: c.708G>A on transcript NM_133642.5 (MANE Select); coding-DNA position 708, G replaced by A.
Protein change: p.Glu236=; no amino-acid change (glutamic acid 236 retained).
Molecular consequence: synonymous variant.
Genome position (GRCh38, 1-based): chr22:33,564,927, C>T on the plus strand (G>A on the coding strand, the complement: LARGE1 is on the minus strand). VCF-style: chr22-33564927-C-T. GRCh37 (hg19) VCF-style: chr22-33960913-C-T.
Other names: c.708G>A, p.Glu236= (NM_001362949.2, NM_001362951.2, NM_001362953.2 and 7 more transcripts); c.105G>A, p.Glu35= (NM_001378630.1, NM_001378631.1); c.708G>A (NM_004737.5).
Identifiers: ClinVar variation 717804 (VCV000717804.10), dbSNP rs202028671, ClinGen allele CA10202955.

ClinVar aggregate classification (germline): Likely benign. Review status: criteria provided, multiple submitters, no conflicts (2 of 4 stars). 2 submissions from 2 submitters: Likely benign (2). Last evaluated 2026-01-15.

Conditions:
LARGE1-related disorder. Also called: LARGE1-related condition.
Muscular dystrophy-dystroglycanopathy type B6 (MDDGB6). Also called: MUSCULAR DYSTROPHY, CONGENITAL, LARGE-RELATED; MUSCULAR DYSTROPHY, CONGENITAL, TYPE 1D; MUSCULAR DYSTROPHY-DYSTROGLYCANOPATHY (CONGENITAL WITH IMPAIRED INTELLECTUAL DEVELOPMENT), TYPE B, 6. Identifiers: MedGen C1837229, MONDO:0012138, OMIM 608840.

Allele frequency attached by ClinVar (database versions not stated): gnomAD exomes 0.00002 and 0.00005; ExAC 0.00007; ESP Exome Variant Server 0.00008; gnomAD 0.00011; TOPMed 0.00011; 1000 Genomes Project 30x 0.00031; 1000 Genomes Project 0.00040.
gnomAD v4.1: 46 of 1,614,124 alleles (0.0028%); highest among the groups gnomAD compares: African/African-American, 0.049%; no homozygotes.

Submissions (2):

Labcorp Genetics (formerly Invitae), Labcorp
Classification: Likely benign for Muscular dystrophy-dystroglycanopathy type B6. Last evaluated: 2026-01-15. Review status: criteria provided, single submitter. Criteria: Invitae Variant Classification Sherloc (09022015). Collection method: clinical testing. Allele origin: germline.

PreventionGenetics, part of Exact Sciences
Classification: Likely benign for LARGE1-related condition. Last evaluated: 2025-02-10. Review status: criteria provided, single submitter. Criteria: ACMG Guidelines, 2015. Collection method: clinical testing. Allele origin: germline.
Comment: This variant is classified as likely benign based on ACMG/AMP sequence variant interpretation guidelines (Richards et al. 2015 PMID: 25741868, with internal and published modifications).